The following is an entry in ClinVar:

ClinVar aggregate classification (germline): Likely benign (1 of 4 stars; one submission).

Conditions:
COG5-congenital disorder of glycosylation. Also called: COG5-CDG; CDG IIi; CONGENITAL DISORDER OF GLYCOSYLATION, TYPE IIi. Identifiers: Orphanet 263487, MedGen C3150876, MONDO:0013325, OMIM 613612.

Allele frequency attached by ClinVar (database versions not stated): gnomAD 0.00571 and 0.00618; 1000 Genomes Project 0.00599; TOPMed 0.00672; 1000 Genomes Project 30x 0.00718.

Submission:

Illumina Laboratory Services, Illumina
Classification: Likely benign for COG5-congenital disorder of glycosylation. Last evaluated: 2018-01-12. Review status: criteria provided, single submitter. Criteria: ICSL Variant Classification Criteria 13 December 2019. Collection method: clinical testing. Allele origin: germline.
Comment: This variant was observed in the ICSL laboratory as part of a predisposition screen in an ostensibly healthy population. It had not been previously curated by ICSL or reported in the Human Gene Mutation Database (HGMD: prior to June 1st, 2018), and was therefore a candidate for classification through an automated scoring system. Utilizing variant allele frequency, disease prevalence and penetrance estimates, and inheritance mode, an automated score was calculated to assess if this variant is too frequent to cause the disease. Based on the score and internal cut-off values, a variant classified as likely benign is not then subjected to further curation. The score for this variant resulted in a classification of likely benign for this disease.

NM_006348.5(COG5):c.*678T>C

Gene: COG5 (component of oligomeric golgi complex 5; minus strand). Cytogenetic location: 7q22.3.
Variant type: single nucleotide variant.
Coding change: c.*678T>C on transcript NM_006348.5 (MANE Select); 678 bases downstream of the stop codon, T replaced by C.
Molecular consequence: 3 prime UTR variant.
Genome position (GRCh38, 1-based): chr7:107,202,838, A>G on the plus strand (T>C on the coding strand, the complement: COG5 is on the minus strand). VCF-style: chr7-107202838-A-G. GRCh37 (hg19) VCF-style: chr7-106843283-A-G.
Other names: c.*678T>C (NM_001379511.1, NM_001379512.1, NM_001379513.1 and 4 more transcripts).
Identifiers: ClinVar variation 909522 (VCV000909522.4), dbSNP rs149142658, ClinGen allele CA164177405.